The following is an entry in ClinVar:

ClinVar aggregate classification (germline): Likely pathogenic. Review status: criteria provided, multiple submitters, no conflicts (2 of 4 stars). 2 submissions from 2 submitters: Likely pathogenic (2). Last evaluated 2026-08-19.

Conditions:
COQ2-related disorder. Also called: COQ2-related condition.

Allele frequency attached by ClinVar (database versions not stated): TOPMed 0.00001.

Submissions (2):

GeneDx
Classification: Likely pathogenic. Last evaluated: 2026-08-19. Review status: criteria provided, single submitter. Criteria: GeneDx Variant Classification Process June 2021. Collection method: clinical testing. Allele origin: germline.
Comment: Nonsense variant predicted to result in protein truncation or nonsense mediated decay in a gene for which loss of function is a known mechanism of disease; Not observed at significant frequency in large population cohorts (gnomAD); Has not been previously published as pathogenic or benign to our knowledge

Blueprint Genetics
Classification: Likely pathogenic for COQ2-related disorders. Last evaluated: 2022-10-27. Review status: criteria provided, single submitter. Criteria: ACMG Guidelines, 2015. Collection method: clinical testing. Allele origin: germline. Affected: yes. Observed: 1 variant allele.

NM_001358921.2(COQ2):c.130C>T (p.Gln44Ter)

Genes: COQ2 (coenzyme Q2, polyprenyltransferase; minus strand), LOC112997540 (Sharpr-MPRA regulatory region 13773; plus strand). Cytogenetic location: 4q21.23.
Variant type: single nucleotide variant.
Coding change: c.130C>T on transcript NM_001358921.2 (MANE Select); coding-DNA position 130, C replaced by T.
Protein change: p.Gln44Ter; replaces glutamine 44 with a stop codon.
Molecular consequence: nonsense.
Genome position (GRCh38, 1-based): chr4:83,284,635, G>A on the plus strand (C>T on the coding strand, the complement: COQ2 is on the minus strand). VCF-style: chr4-83284635-G-A. GRCh37 (hg19) VCF-style: chr4-84205788-G-A.
Other names: c.280C>T, p.Gln94Ter (NM_015697.9); short protein forms Q94*, Q44*.
Identifiers: ClinVar variation 488738 (VCV000488738.5), dbSNP rs1348127604, ClinGen allele CA357231011.